The following is an entry in ClinVar:

ClinVar aggregate classification (germline): Uncertain significance (1 of 4 stars; one submission).

Conditions:
Hereditary cancer-predisposing syndrome. Also called: Neoplastic Syndromes, Hereditary; Tumor predisposition; Hereditary neoplastic syndrome; Hereditary Cancer Syndrome. Identifiers: Orphanet 140162, MedGen C0027672, MeSH D009386, MONDO:0015356.
Cardiovascular phenotype. Identifiers: MedGen CN230736.

Submission:

Ambry Genetics
Classification: Uncertain significance for Cardiovascular phenotype; Hereditary cancer-predisposing syndrome. Last evaluated: 2018-01-15. Review status: criteria provided, single submitter. Criteria: Ambry Variant Classification Scheme 2023. Collection method: clinical testing. Allele origin: germline.
Comment: The p.P2488T variant (also known as c.7462C>A), located in coding exon 50 of the NF1 gene, results from a C to A substitution at nucleotide position 7462. The proline at codon 2488 is replaced by threonine, an amino acid with highly similar properties. This amino acid position is well conserved in available vertebrate species. In addition, this alteration is predicted to be tolerated by in silico analysis. Since supporting evidence is limited at this time, the clinical significance of this alteration remains unclear.

NM_001042492.3(NF1):c.7525C>A (p.Pro2509Thr)

Gene: NF1 (neurofibromin 1; plus strand). Cytogenetic location: 17q11.2.
Variant type: single nucleotide variant.
Coding change: c.7525C>A on transcript NM_001042492.3 (MANE Select); coding-DNA position 7525, C replaced by A.
Protein change: p.Pro2509Thr; replaces proline 2509 with threonine.
Molecular consequence: missense variant.
Genome position (GRCh38, 1-based): chr17:31,352,324, C>A. VCF-style: chr17-31352324-C-A. GRCh37 (hg19) VCF-style: chr17-29679342-C-A.
Other names: c.7462C>A, p.Pro2488Thr (NM_000267.4); short protein forms P2488T, P2509T.
Identifiers: ClinVar variation 827069 (VCV000827069.4), dbSNP rs886052803, ClinGen allele CA399017583.